The following continues an entry in ClinVar:

NM_007294.4(BRCA1):c.5467+1G>A

Gene: BRCA1. ClinVar aggregate classification (germline): Pathogenic. Pathogenic (8).

Submissions 7 to 13 of 13:

Women's Health and Genetics/Laboratory Corporation of America, LabCorp
Classification: Pathogenic for Hereditary breast ovarian cancer syndrome. Last evaluated: 2023-02-16. Review status: criteria provided, single submitter. Criteria: LabCorp Variant Classification Summary - May 2015. Collection method: clinical testing. Allele origin: germline.
Comment: Variant summary: BRCA1 c.5467+1G>A is located in a canonical splice-site and is predicted to affect mRNA splicing resulting in a significantly altered protein due to either exon skipping, shortening, or inclusion of intronic material. Several computational tools predict a significant impact on normal splicing: Four predict the variant abolishes a canonical 5' splicing donor site, and two predict the variant creates/strengthens an existing cryptic 5' splice donor site 5nt into intron 22. Experimental evidence has confirmed that this variant affects mRNA splicing, resulting in the skipping of exon 23 (Laskie_2001, Steffensen_2014). At least one publication reports experimental evidence evaluating an impact on protein function (Findlay_2018) and the variant effect resulted in <10% of normal activity. The variant allele was found at a frequency of 6.6e-06 in 150970 control chromosomes (gnomAD v3.1.2). c.5467+1G>A has been reported in the literature in multiple individuals affected with Hereditary Breast and Ovarian Cancer (Laskie_2001, Litton_2012, Judkins_2005, John_2007, Haffty_2009, Kang_2015, Mannan_2016, Chan_2018). These data indicate that the variant is very likely to be associated with disease. Six ClinVar submitters have assessed the variant since 2014: all have classified the variant as pathogenic. Based on the evidence outlined above, the variant was classified as pathogenic.

Consortium of Investigators of Modifiers of BRCA1/2 (CIMBA), c/o University of Cambridge
Classification: Pathogenic for Breast-ovarian cancer, familial, susceptibility to, 1. Last evaluated: 2015-10-02. Review status: criteria provided, single submitter. Criteria: CIMBA Mutation Classification guidelines May 2016. Collection method: clinical testing. Allele origin: germline.

BRCAlab, Lund University
Classification: Pathogenic for Breast-ovarian cancer, familial, susceptibility to, 1. Last evaluated: 2020-03-02. Review status: no assertion criteria provided. Collection method: clinical testing. Allele origin: germline. Affected: yes. Not counted in ClinVar's aggregate classification.

Counsyl
Classification: Likely pathogenic for Breast-ovarian cancer, familial 1. Last evaluated: 2014-10-03. Review status: no assertion criteria provided. Collection method: literature only. Allele origin: unknown. Inheritance: Autosomal dominant inheritance. Not counted in ClinVar's aggregate classification.

Sharing Clinical Reports Project (SCRP)
Classification: Pathogenic for Breast-ovarian cancer, familial 1. Last evaluated: 2011-01-06. Review status: no assertion criteria provided. Collection method: clinical testing. Allele origin: germline. Not counted in ClinVar's aggregate classification.

Breast Cancer Information Core (BIC) (BRCA1)
Classification: Pathogenic for Breast-ovarian cancer, familial 1. Last evaluated: 2002-05-29. Review status: no assertion criteria provided. Collection method: clinical testing. Allele origin: germline. Affected: yes. Observed: 5 variant alleles. Not counted in ClinVar's aggregate classification.

Brotman Baty Institute, University of Washington
No classification provided (evidence only). Condition: Breast-ovarian cancer, familial 1. Review status: no classification provided. Collection method: in vitro. Allele origin: not applicable. Functional consequence: functionally_abnormal. Not counted in ClinVar's aggregate classification.
ClinVar note: "not provided" was previously submitted as the classification for the variant. However, the classification appeared to be based only on an observation of functional data so it was converted to no classification on 2025-07-30.

Literature cited by the submitters: PubMed 11428389 (cited by 6 submitters); PubMed 19491284 (cited by 5 submitters); PubMed 21913181 (cited by 4 submitters); PubMed 25428789 (cited by 4 submitters); PubMed 17576681 (cited by Labcorp Genetics (formerly Invitae), Labcorp); PubMed 9536098 (cited by Labcorp Genetics (formerly Invitae), Labcorp); PubMed 24667779 (cited by 5 submitters); PubMed 7894493 (cited by Labcorp Genetics (formerly Invitae), Labcorp); PubMed 10811118 (cited by Labcorp Genetics (formerly Invitae), Labcorp); PubMed 11739404 (cited by Labcorp Genetics (formerly Invitae), Labcorp); PubMed 12400015 (cited by Labcorp Genetics (formerly Invitae), Labcorp); PubMed 20104584 (cited by Labcorp Genetics (formerly Invitae), Labcorp); PubMed 21922593 (cited by Labcorp Genetics (formerly Invitae), Labcorp); PubMed 24504028 (cited by Labcorp Genetics (formerly Invitae), Labcorp); PubMed 25085752 (cited by Ambry Genetics and Color Diagnostics, LLC DBA Color Health); PubMed 28205045 (cited by 3 submitters); PubMed 29446198 (cited by Ambry Genetics); PubMed 29310832 (cited by Quest Diagnostics Nichols Institute San Juan Capistrano); PubMed 30702160 (cited by Quest Diagnostics Nichols Institute San Juan Capistrano); PubMed 31174498 (cited by Quest Diagnostics Nichols Institute San Juan Capistrano); PubMed 30093976 (cited by 3 submitters); PubMed 30720863 (cited by Quest Diagnostics Nichols Institute San Juan Capistrano); PubMed 32164585 (cited by Quest Diagnostics Nichols Institute San Juan Capistrano); PubMed 30350268 (cited by Quest Diagnostics Nichols Institute San Juan Capistrano); PubMed 29470806 (cited by Quest Diagnostics Nichols Institute San Juan Capistrano); PubMed 30209399 (cited by 3 submitters); PubMed 36367610 (cited by Quest Diagnostics Nichols Institute San Juan Capistrano); PubMed 34645131 (cited by Quest Diagnostics Nichols Institute San Juan Capistrano); PubMed 16267036 (cited by 3 submitters); PubMed 18159056 (cited by Color Diagnostics, LLC DBA Color Health and Women's Health and Genetics/Laboratory Corporation of America, LabCorp); PubMed 25863477 (cited by Color Diagnostics, LLC DBA Color Health and Women's Health and Genetics/Laboratory Corporation of America, LabCorp); PubMed 30287823 (cited by Color Diagnostics, LLC DBA Color Health); PubMed 33471991 (cited by Color Diagnostics, LLC DBA Color Health); PubMed 34657357 (cited by Color Diagnostics, LLC DBA Color Health); PubMed 35671604 (cited by Color Diagnostics, LLC DBA Color Health); PubMed 36463295 (cited by Color Diagnostics, LLC DBA Color Health); PubMed 18693280 (cited by Women's Health and Genetics/Laboratory Corporation of America, LabCorp); PubMed 26911350 (cited by Women's Health and Genetics/Laboratory Corporation of America, LabCorp); PubMed 12955719 (cited by Counsyl); PubMed 12034536 (cited by Counsyl); PubMed 21702907 (cited by Counsyl).